The following is an entry in ClinVar:

ClinVar aggregate classification (germline): Benign/Likely benign. Review status: criteria provided, multiple submitters, no conflicts (2 of 4 stars). 2 submissions from 2 submitters: Benign (1); Likely benign (1). Last evaluated 2025-10-01.

Allele frequency attached by ClinVar (database versions not stated): TOPMed 0.00010; gnomAD 0.00036; gnomAD exomes 0.00061; ExAC 0.00143; 1000 Genomes Project 30x 0.00281; 1000 Genomes Project 0.00339.
gnomAD v4.1: 961 of 1,613,850 alleles (0.06%); highest among the groups gnomAD compares: South Asian, 0.94%; 18 homozygotes.

Submissions (2):

CeGaT Center for Human Genetics Tuebingen
Classification: Likely benign. Last evaluated: 2025-10-01. Review status: criteria provided, single submitter. Criteria: CeGaT Center For Human Genetics Tuebingen Variant Classification Criteria Version 2. Collection method: clinical testing. Allele origin: germline. Affected: yes. Observed: 1 variant allele.
Comment: TBC1D32: BP4, BP7, BS2

Labcorp Genetics (formerly Invitae), Labcorp
Classification: Benign. Last evaluated: 2025-04-12. Review status: criteria provided, single submitter. Criteria: Invitae Variant Classification Sherloc (09022015). Collection method: clinical testing. Allele origin: germline.

NM_152730.6(TBC1D32):c.630T>C (p.Asn210=)

Gene: TBC1D32 (TBC1 domain family member 32; minus strand). Cytogenetic location: 6q22.31.
Variant type: single nucleotide variant.
Coding change: c.630T>C on transcript NM_152730.6 (MANE Select); coding-DNA position 630, T replaced by C.
Protein change: p.Asn210=; no amino-acid change (asparagine 210 retained).
Molecular consequence: synonymous variant. On other transcripts: non-coding transcript variant (1).
Genome position (GRCh38, 1-based): chr6:121,308,036, A>G on the plus strand (T>C on the coding strand, the complement: TBC1D32 is on the minus strand). VCF-style: chr6-121308036-A-G. GRCh37 (hg19) VCF-style: chr6-121629182-A-G.
Other names: c.630T>C, p.Asn210= (NM_001367759.1, NM_001367760.1).
Identifiers: ClinVar variation 2058270 (VCV002058270.10), dbSNP rs199630893, ClinGen allele CA3981437.
Genomic context (GRCh38, chr6:121,308,036, plus strand): 5'-ACTAAACACAGGATCAGGATCTGAAAGAGACACGGTCAGTTTTTCGCAGAGAGTAGTCCA[A>G]TTTTCACAGTTGAGGACATCAGATGGAGGAGCTGAACATAATGTTTGCAAGGCTTCATAT-3'
Protein context (NP_689943.4, residues 200-220): APPSDVLNCE[Asn210=]WTTLCEKLTV